The following is an entry in ClinVar:

NM_001792.5(CDH2):c.905G>A (p.Gly302Glu)

Gene: CDH2 (cadherin 2; minus strand). Cytogenetic location: 18q12.1.
Variant type: single nucleotide variant.
Coding change: c.905G>A on transcript NM_001792.5 (MANE Select); coding-DNA position 905, G replaced by A.
Protein change: p.Gly302Glu; replaces glycine 302 with glutamic acid.
Molecular consequence: missense variant.
Genome position (GRCh38, 1-based): chr18:28,003,112, C>T on the plus strand (G>A on the coding strand, the complement: CDH2 is on the minus strand). VCF-style: chr18-28003112-C-T. GRCh37 (hg19) VCF-style: chr18-25583076-C-T.
Other names: c.812G>A, p.Gly271Glu (NM_001308176.2); short protein forms G271E, G302E.
Identifiers: ClinVar variation 4763213 (VCV004763213.1).
Genomic context (GRCh38, chr18:28,003,112, plus strand): 5'-GTAAACATGTTGGGTGAAGGGGTGCTTGGAGCCTGAGACACGATTCTGTACCTCAACATC[C>T]CATTGAGGGCATTGGGATCGTCAGCATCAATTGCTGTTACGGTCATCACATATGTTCCTA-3'
Protein context (NP_001783.2, residues 292-312): IDADDPNALN[Gly302Glu]MLRYRIVSQA

ClinVar aggregate classification (germline): Uncertain significance (1 of 4 stars; one submission).

gnomAD v4.1: 4 of 1,613,354 alleles (0.00025%); highest among the groups gnomAD compares: African/African-American, 0.0053%; no homozygotes.

Submission:

Labcorp Genetics (formerly Invitae), Labcorp
Classification: Uncertain significance. Last evaluated: 2025-07-29. Review status: criteria provided, single submitter. Criteria: Invitae Variant Classification Sherloc (09022015). Collection method: clinical testing. Allele origin: germline.
Comment: This sequence change replaces glycine, which is neutral and non-polar, with glutamic acid, which is acidic and polar, at codon 302 of the CDH2 protein (p.Gly302Glu). This variant is present in population databases (rs184596097, gnomAD 0.01%). This variant has not been reported in the literature in individuals affected with CDH2-related conditions. An algorithm developed to predict the effect of missense changes on protein structure and function (PolyPhen-2) suggests that this variant is likely to be disruptive. In summary, the available evidence is currently insufficient to determine the role of this variant in disease. Therefore, it has been classified as a Variant of Uncertain Significance.